The following is an entry in ClinVar:

NM_002334.4(LRP4):c.5618G>A (p.Cys1873Tyr)

Genes: LRP4-AS1 (LRP4 antisense RNA 1; plus strand), LRP4 (LDL receptor related protein 4; minus strand). Cytogenetic location: 11p11.2.
Variant type: single nucleotide variant.
Coding change: c.5618G>A on transcript NM_002334.4 (MANE Select); coding-DNA position 5618, G replaced by A.
Protein change: p.Cys1873Tyr; replaces cysteine 1873 with tyrosine.
Molecular consequence: missense variant.
Genome position (GRCh38, 1-based): chr11:46,859,083, C>T on the plus strand (G>A on the coding strand, the complement: LRP4 is on the minus strand). VCF-style: chr11-46859083-C-T. GRCh37 (hg19) VCF-style: chr11-46880634-C-T.
Other names: short protein forms C1873Y.
Identifiers: ClinVar variation 1024631 (VCV001024631.8), dbSNP rs1312872252, ClinGen allele CA380283506.
Genomic context (GRCh38, chr11:46,859,083, plus strand): 5'-CAGCCCGTGTCTGGCAGAGAGCCTCGTCTTTCTGGAGTGGCTGCAGTATGGACGCTGCTA[C>T]ACTCAGACTGCTCTTCCTGTAACAGCTGCTCCGTCTCTGTGTCATCCAGGGAGCCAGAGC-3'
Protein context (NP_002325.2, residues 1863-1883): EQLLQEEQSE[Cys1873Tyr]SSVHTAATPE

ClinVar aggregate classification (germline): Uncertain significance (1 of 4 stars; one submission).

Conditions:
Cenani-Lenz syndactyly syndrome. Also called: CENANI SYNDACTYLISM; SYNDACTYLY, TYPE VII. Identifiers: Orphanet 3258, MedGen C1859309, MONDO:0008931, OMIM 212780.
Congenital myasthenic syndrome 17. Identifiers: Orphanet 590, MedGen C4225377, MONDO:0014578, OMIM 616304.
Sclerosteosis 2 (SOST2). Identifiers: Orphanet 3152, MedGen C3280402, MONDO:0013679, OMIM 614305.

Allele frequency attached by ClinVar (database versions not stated): gnomAD exomes below 0.00001 and 0.00001.
gnomAD v4.1: 3 of 1,614,162 alleles (0.00019%); highest among the groups gnomAD compares: South Asian, 0.0022%; no homozygotes.

Submission:

Labcorp Genetics (formerly Invitae), Labcorp
Classification: Uncertain significance for Cenani-Lenz syndactyly syndrome; Sclerosteosis 2; Congenital myasthenic syndrome 17. Last evaluated: 2020-03-09. Review status: criteria provided, single submitter. Criteria: Invitae Variant Classification Sherloc (09022015). Collection method: clinical testing. Allele origin: germline.
Comment: In summary, the available evidence is currently insufficient to determine the role of this variant in disease. Therefore, it has been classified as a Variant of Uncertain Significance. Algorithms developed to predict the effect of missense changes on protein structure and function are either unavailable or do not agree on the potential impact of this missense change (SIFT: "Deleterious"; PolyPhen-2: "Possibly Damaging"; Align-GVGD: "Class C0"). This variant has not been reported in the literature in individuals with LRP4-related conditions. This variant is not present in population databases (ExAC no frequency). This sequence change replaces cysteine with tyrosine at codon 1873 of the LRP4 protein (p.Cys1873Tyr). The cysteine residue is highly conserved and there is a large physicochemical difference between cysteine and tyrosine.